The following is an entry in ClinVar:

ClinVar aggregate classification (germline): Likely benign. Review status: criteria provided, multiple submitters, no conflicts (2 of 4 stars). 2 submissions from 2 submitters: Likely benign (2). Last evaluated 2025-11-01.

Allele frequency attached by ClinVar (database versions not stated): TOPMed 0.00002; ESP Exome Variant Server 0.00008; gnomAD 0.00001; ExAC 0.00002.
gnomAD v4.1: 16 of 1,599,560 alleles (0.001%); highest among the groups gnomAD compares: Non-Finnish European, 0.0013%; no homozygotes.

Submissions (2):

CeGaT Center for Human Genetics Tuebingen
Classification: Likely benign. Last evaluated: 2025-11-01. Review status: criteria provided, single submitter. Criteria: CeGaT Center For Human Genetics Tuebingen Variant Classification Criteria Version 2. Collection method: clinical testing. Allele origin: germline. Affected: yes. Observed: 1 variant allele.
Comment: AHDC1: BP4, BP7

Labcorp Genetics (formerly Invitae), Labcorp
Classification: Likely benign. Last evaluated: 2022-09-27. Review status: criteria provided, single submitter. Criteria: Invitae Variant Classification Sherloc (09022015). Collection method: clinical testing. Allele origin: germline.

NM_001371928.1(AHDC1):c.2118C>T (p.Ala706=)

Gene: AHDC1 (AT-hook DNA binding motif containing 1; minus strand). Cytogenetic location: 1p36.11.
Variant type: single nucleotide variant.
Coding change: c.2118C>T on transcript NM_001371928.1 (MANE Select); coding-DNA position 2118, C replaced by T.
Protein change: p.Ala706=; no amino-acid change (alanine 706 retained).
Molecular consequence: synonymous variant.
Genome position (GRCh38, 1-based): chr1:27,549,998, G>A on the plus strand (C>T on the coding strand, the complement: AHDC1 is on the minus strand). VCF-style: chr1-27549998-G-A. GRCh37 (hg19) VCF-style: chr1-27876509-G-A.
Other names: c.2118C>T, p.Ala706= (NM_001029882.3).
Identifiers: ClinVar variation 1638706 (VCV001638706.14), dbSNP rs375728461, ClinGen allele CA715836.